The following is an entry in ClinVar:

ClinVar aggregate classification (germline): Likely pathogenic. Review status: criteria provided, multiple submitters, no conflicts (2 of 4 stars). 3 submissions from 3 submitters: Likely pathogenic (3). Last evaluated 2026-01-27.

Conditions:
Holocarboxylase synthetase deficiency. Also called: MULTIPLE CARBOXYLASE DEFICIENCY, EARLY ONSET. Identifiers: Orphanet 79242, MedGen C0268581, MONDO:0009666, OMIM 253270.

Submissions (3):

Natera, Inc.
Classification: Likely pathogenic for Holocarboxylase synthetase deficiency. Last evaluated: 2026-01-27. Review status: criteria provided, single submitter. Criteria: Natera Variant Classification Schema (03/2026). Collection method: clinical testing. Allele origin: germline.
Comment: The c.1796-2A>G variant in HLCS is a canonical splice acceptor site variant predicted to affect pre-mRNA splicing, which may result in an abnormal transcript and altered protein product. This variant is expected to result in nonsense mediated decay, truncation, or a dysfunctional protein product. This variant is rare in the general population with a frequency below the threshold expected for the associated phenotype(s). Given the available evidence, this variant is classified as Likely Pathogenic.

Labcorp Genetics (formerly Invitae), Labcorp
Classification: Likely pathogenic for Holocarboxylase synthetase deficiency. Last evaluated: 2024-04-15. Review status: criteria provided, single submitter. Criteria: Invitae Variant Classification Sherloc (09022015). Collection method: clinical testing. Allele origin: germline.
Comment: This sequence change affects an acceptor splice site in intron 10 of the HLCS gene. It is expected to disrupt RNA splicing. Variants that disrupt the donor or acceptor splice site typically lead to a loss of protein function (PMID: 16199547), and loss-of-function variants in HLCS are known to be pathogenic (PMID: 16134170). This variant is not present in population databases (gnomAD no frequency). This variant has not been reported in the literature in individuals affected with HLCS-related conditions. Algorithms developed to predict the effect of sequence changes on RNA splicing suggest that this variant may disrupt the consensus splice site. In summary, the currently available evidence indicates that the variant is pathogenic, but additional data are needed to prove that conclusively. Therefore, this variant has been classified as Likely Pathogenic.

Baylor Genetics
Classification: Likely pathogenic for Holocarboxylase synthetase deficiency. Last evaluated: 2023-06-01. Review status: criteria provided, single submitter. Criteria: ACMG Guidelines, 2015. Collection method: clinical testing. Allele origin: unknown.

Literature cited by the submitters: PubMed 16199547 (cited by Labcorp Genetics (formerly Invitae), Labcorp); PubMed 16134170 (cited by Labcorp Genetics (formerly Invitae), Labcorp).

NM_001352514.2(HLCS):c.2237-2A>G

Gene: HLCS (holocarboxylase synthetase; minus strand). Cytogenetic location: 21q22.13.
Variant type: single nucleotide variant.
Coding change: c.2237-2A>G on transcript NM_001352514.2 (MANE Select); the canonical splice acceptor site of the intron before coding-DNA position 2237, A replaced by G.
Molecular consequence: splice acceptor variant. On other transcripts: non-coding transcript variant (2).
Genome position (GRCh38, 1-based): chr21:36,756,757, T>C on the plus strand (A>G on the coding strand, the complement: HLCS is on the minus strand). VCF-style: chr21-36756757-T-C. GRCh37 (hg19) VCF-style: chr21-38129058-T-C.
Other names: c.1796-2A>G (NM_000411.7, NM_001352517.1, NM_001242785.2 and 5 more transcripts).
Identifiers: ClinVar variation 2676013 (VCV002676013.5), dbSNP rs1601101034, ClinGen allele CA409919554.